The following is an entry in ClinVar:

NM_152419.3(HGSNAT):c.1150C>T (p.Arg384Ter)

Gene: HGSNAT (heparan-alpha-glucosaminide N-acetyltransferase; plus strand). Cytogenetic location: 8p11.21.
Variant type: single nucleotide variant.
Coding change: c.1150C>T on transcript NM_152419.3 (MANE Select); coding-DNA position 1150, C replaced by T.
Protein change: p.Arg384Ter; replaces arginine 384 with a stop codon.
Molecular consequence: nonsense.
Genome position (GRCh38, 1-based): chr8:43,191,495, C>T. VCF-style: chr8-43191495-C-T. GRCh37 (hg19) VCF-style: chr8-43046638-C-T.
Other names: c.1150C>T, p.Arg384Ter (NM_001363227.2); c.958C>T, p.Arg320Ter (NM_001363228.2); c.286C>T, p.Arg96Ter (NM_001363229.2); short protein forms R384*, R96*, R320*.
Identifiers: ClinVar variation 549921 (VCV000549921.51), dbSNP rs775078211, ClinGen allele CA4736794.
Genomic context (GRCh38, chr8:43,191,495, plus strand): 5'-TTTAGTTCACCCGTGTTTTATTTTTCTGCCCCCACTCAGGAGAGGAGCTGCCTTTCTCTT[C>T]GAGACATCACGTCCAGCTGGCCCCAGTGGCTGCTCATCCTGGTGCTGGAAGGCCTGTGGC-3'

ClinVar aggregate classification (germline): Pathogenic. Review status: criteria provided, multiple submitters, no conflicts (2 of 4 stars). 11 submissions from 11 submitters: Pathogenic (8). 3 of the submissions do not count toward it. Last evaluated 2026-03-24.

Conditions:
Sanfilippo syndrome. Also called: Mucopolysaccharidosis type 3; Sanfilippo disease; Mucopolysaccharidosis Type III. Identifiers: Orphanet 581, MedGen C0026706, MONDO:0018937.
HGSNAT-related disorders.
Mucopolysaccharidosis, MPS-III-C (MPS3C). Also called: mucopolysaccharidosis type 3C; MPS IIIC (Sanfilippo Syndrome Type C); SANFILIPPO SYNDROME C; MUCOPOLYSACCHARIDOSIS, TYPE IIIC; MPS III C; Mucopolysaccharidosis type IIIC (Sanfilippo C). Identifiers: Orphanet 581, Orphanet 79271, MedGen C0086649, MONDO:0009657, OMIM 252930.
Retinitis pigmentosa 73 (RP73). Identifiers: Orphanet 791, MedGen C4225287, MONDO:0014687, OMIM 616544.

Allele frequency attached by ClinVar (database versions not stated): ExAC 0.00001; gnomAD 0.00003; TOPMed 0.00003.
gnomAD v4.1: 34 of 1,613,774 alleles (0.0021%); highest among the groups gnomAD compares: Non-Finnish European, 0.0027%; no homozygotes.

Submissions (11):

GeneDx
Classification: Pathogenic. Last evaluated: 2026-03-24. Review status: criteria provided, single submitter. Criteria: GeneDx Variant Classification Process June 2021. Collection method: clinical testing. Allele origin: germline.
Comment: Nonsense variant predicted to result in protein truncation or nonsense mediated decay in a gene for which loss of function is a known mechanism of disease; Not observed at a significant frequency in large population cohorts (gnomAD); Also known as p.(R412*); This variant is associated with the following publications: (PMID: 37014526, 35456422, 23301227, 25525159, 31228227, 17397050, 31964843, 17033958)

Labcorp Genetics (formerly Invitae), Labcorp
Classification: Pathogenic for Retinitis pigmentosa 73; Mucopolysaccharidosis, MPS-III-C. Last evaluated: 2025-04-19. Review status: criteria provided, single submitter. Criteria: Invitae Variant Classification Sherloc (09022015). Collection method: clinical testing. Allele origin: germline.
Comment: This sequence change creates a premature translational stop signal (p.Arg384*) in the HGSNAT gene. It is expected to result in an absent or disrupted protein product. Loss-of-function variants in HGSNAT are known to be pathogenic (PMID: 17033958, 19479962, 25859010). This variant is present in population databases (rs775078211, gnomAD 0.003%). This premature translational stop signal has been observed in individuals with mucopolysaccharidosis type III (PMID: 17033958, 23301227). This variant is also known as c.1234C>T (p.R412X). ClinVar contains an entry for this variant (Variation ID: 549921). Algorithms developed to predict the effect of sequence changes on RNA splicing suggest that this variant may disrupt the consensus splice site. For these reasons, this variant has been classified as Pathogenic.

Natera, Inc.
Classification: Pathogenic for Mucopolysaccharidosis type IIIC. Last evaluated: 2025-04-09. Review status: criteria provided, single submitter. Criteria: Natera Variant Classification Schema (03/2026). Collection method: clinical testing. Allele origin: germline.
Comment: The c.1150C>T variant in HGSNAT is a nonsense variant predicted to introduce a stop codon at amino acid 384. This variant is expected to result in nonsense mediated decay, truncation, or a dysfunctional protein product. This variant is rare in the general population with a frequency below the threshold expected for the associated phenotype(s). This variant has been observed in one or more individuals affected with the associated recessive disease, as either homozygous or compound heterozygous with a second variant (PMID: 17033958). Given the available evidence, this variant is classified as Pathogenic.

Blueprint Genetics
Classification: Pathogenic for HGSNAT-related disorders. Last evaluated: 2024-02-07. Review status: criteria provided, single submitter. Criteria: ACMG Guidelines, 2015. Collection method: clinical testing. Allele origin: germline. Affected: yes. Observed: 5 variant alleles.

Laboratory of Medical Genetics, National & Kapodistrian University of Athens
Classification: Pathogenic for Mucopolysaccharidosis, MPS-III-C. Last evaluated: 2024-02-01. Review status: criteria provided, single submitter. Criteria: ACMG Guidelines, 2015. Collection method: curation. Allele origin: germline. Affected: no.

CeGaT Center for Human Genetics Tuebingen
Classification: Pathogenic. Last evaluated: 2022-05-01. Review status: criteria provided, single submitter. Criteria: CeGaT Center For Human Genetics Tuebingen Variant Classification Criteria Version 2. Collection method: clinical testing. Allele origin: germline. Affected: yes. Observed: 2 variant alleles.
Comment: HGSNAT: PVS1, PM2

Women's Health and Genetics/Laboratory Corporation of America, LabCorp
Classification: Pathogenic for Sanfilippo syndrome. Last evaluated: 2018-01-25. Review status: criteria provided, single submitter. Criteria: LabCorp Variant Classification Summary - May 2015. Collection method: clinical testing. Allele origin: germline.
Comment: Variant summary: The HGSNAT c.1150C>T (p.Arg384X) variant results in a premature termination codon, predicted to cause a truncated or absent N-acetyltransferase due to nonsense mediated decay, which are commonly known mechanisms for disease. This variant was found in 4/277476 control chromosomes at a frequency of 0.0000144, which does not exceed the estimated maximal expected allele frequency of a pathogenic HGSNAT variant (0.001). The variant has been reported in multiple patients, both homozygously and in compound heterozygosity with known pathogenic variants. Taken together, this variant is classified as pathogenic.

Juno Genomics, Hangzhou Juno Genomics, Inc
Classification: Pathogenic for Retinitis pigmentosa 73; Mucopolysaccharidosis, MPS-III-C. Review status: criteria provided, single submitter. Criteria: ACMG Guidelines, 2015. Collection method: clinical testing. Allele origin: germline.
Comment: Absent from controls (or at extremely low frequency if recessive) in Genome Aggregation Database.;Null variant in a gene where loss of function (LOF) is a known mechanism of disease.;For recessive disorders, detected in trans with a pathogenic variant.;Patient's phenotype or family history is highly specific for a disease with a single genetic etiology.

Counsyl
Classification: Pathogenic for Mucopolysaccharidosis, MPS-III-C. Last evaluated: 2017-04-21. Review status: no assertion criteria provided. Collection method: clinical testing. Allele origin: unknown. Not counted in ClinVar's aggregate classification.

Clinical Genetics, Academic Medical Center
Classification: Pathogenic. Review status: no assertion criteria provided. Collection method: clinical testing. Allele origin: germline. Affected: yes. Study: VKGL Data-share Consensus. Not counted in ClinVar's aggregate classification.

Joint Genome Diagnostic Labs from Nijmegen and Maastricht, Radboudumc and MUMC+
Classification: Pathogenic. Review status: no assertion criteria provided. Collection method: clinical testing. Allele origin: germline. Affected: yes. Study: VKGL Data-share Consensus. Not counted in ClinVar's aggregate classification.

Literature cited by the submitters: PubMed 17033958 (cited by 4 submitters); PubMed 19479962 (cited by Labcorp Genetics (formerly Invitae), Labcorp); PubMed 25859010 (cited by Labcorp Genetics (formerly Invitae), Labcorp); PubMed 23301227 (cited by Labcorp Genetics (formerly Invitae), Labcorp); PubMed 18024218 (cited by Women's Health and Genetics/Laboratory Corporation of America, LabCorp); PubMed 17397050 (cited by Women's Health and Genetics/Laboratory Corporation of America, LabCorp).